The following is an entry in ClinVar:

NM_006767.4(LZTR1):c.1348G>T (p.Gly450Cys)

Gene: LZTR1 (leucine zipper like post translational regulator 1; plus strand). Cytogenetic location: 22q11.21.
Variant type: single nucleotide variant.
Coding change: c.1348G>T on transcript NM_006767.4 (MANE Select); coding-DNA position 1348, G replaced by T.
Protein change: p.Gly450Cys; replaces glycine 450 with cysteine.
Molecular consequence: missense variant.
Genome position (GRCh38, 1-based): chr22:20,993,749, G>T. VCF-style: chr22-20993749-G-T. GRCh37 (hg19) VCF-style: chr22-21348038-G-T.
Other names: short protein forms G450C.
Identifiers: ClinVar variation 4797487 (VCV004797487.1).

ClinVar aggregate classification (germline): Uncertain significance (1 of 4 stars; one submission).

Submission:

Labcorp Genetics (formerly Invitae), Labcorp
Classification: Uncertain significance. Last evaluated: 2025-11-24. Review status: criteria provided, single submitter. Criteria: Invitae Variant Classification Sherloc (09022015). Collection method: clinical testing. Allele origin: germline.
Comment: This sequence change replaces glycine, which is neutral and non-polar, with cysteine, which is neutral and slightly polar, at codon 450 of the LZTR1 protein (p.Gly450Cys). This variant is not present in population databases (gnomAD no frequency). This variant has not been reported in the literature in individuals affected with LZTR1-related conditions. Invitae Evidence Modeling of protein sequence and biophysical properties (such as structural, functional, and spatial information, amino acid conservation, physicochemical variation, residue mobility, and thermodynamic stability) indicates that this missense variant is not expected to disrupt LZTR1 protein function with a negative predictive value of 80%. In summary, the available evidence is currently insufficient to determine the role of this variant in disease. Therefore, it has been classified as a Variant of Uncertain Significance.